The following is an entry in ClinVar:

NM_020754.4(ARHGAP31):c.1104T>A (p.Val368=)

Gene: ARHGAP31 (Rho GTPase activating protein 31; plus strand). Cytogenetic location: 3q13.33.
Variant type: single nucleotide variant.
Coding change: c.1104T>A on transcript NM_020754.4 (MANE Select); coding-DNA position 1104, T replaced by A.
Protein change: p.Val368=; no amino-acid change (valine 368 retained).
Molecular consequence: synonymous variant.
Genome position (GRCh38, 1-based): chr3:119,401,856, T>A. VCF-style: chr3-119401856-T-A. GRCh37 (hg19) VCF-style: chr3-119120703-T-A.
Identifiers: ClinVar variation 4730043 (VCV004730043.1).

ClinVar aggregate classification (germline): Uncertain significance (1 of 4 stars; one submission).

Submission:

Labcorp Genetics (formerly Invitae), Labcorp
Classification: Uncertain significance. Last evaluated: 2025-11-02. Review status: criteria provided, single submitter. Criteria: Invitae Variant Classification Sherloc (09022015). Collection method: clinical testing. Allele origin: germline.
Comment: This sequence change affects codon 368 of the ARHGAP31 mRNA. It is a 'silent' change, meaning that it does not change the encoded amino acid sequence of the ARHGAP31 protein. This variant is not present in population databases (gnomAD no frequency). This variant has not been reported in the literature in individuals affected with ARHGAP31-related conditions. Algorithms developed to predict the effect of sequence changes on RNA splicing suggest that this variant may create or strengthen a splice site. In summary, the available evidence is currently insufficient to determine the role of this variant in disease. Therefore, it has been classified as a Variant of Uncertain Significance.